The following is an entry in ClinVar:

NM_015089.4(CUL9):c.6435G>A (p.Ala2145=)

Gene: CUL9 (cullin 9; plus strand). Cytogenetic location: 6p21.1.
Variant type: single nucleotide variant.
Coding change: c.6435G>A on transcript NM_015089.4 (MANE Select); coding-DNA position 6435, G replaced by A.
Protein change: p.Ala2145=; no amino-acid change (alanine 2145 retained).
Molecular consequence: synonymous variant.
Genome position (GRCh38, 1-based): chr6:43,220,758, G>A. VCF-style: chr6-43220758-G-A. GRCh37 (hg19) VCF-style: chr6-43188496-G-A.
Identifiers: ClinVar variation 782249 (VCV000782249.5), dbSNP rs143347950, ClinGen allele CA3818676.

ClinVar aggregate classification (germline): Benign. Review status: criteria provided, single submitter (1 of 4 stars). 2 submissions from 2 submitters: Benign (1). 1 of the submissions does not count toward it. Last evaluated 2018-01-31.

Conditions:
CUL9-related disorder. Also called: CUL9-related condition.

Allele frequency attached by ClinVar (database versions not stated): 1000 Genomes Project 30x 0.00078; 1000 Genomes Project 0.00100; TOPMed 0.00254; ESP Exome Variant Server 0.00277; ExAC 0.00345; gnomAD exomes 0.00360 and 0.00406; gnomAD 0.00376 and 0.00386.
gnomAD v4.1: 6,473 of 1,612,618 alleles (0.4%); highest among the groups gnomAD compares: Non-Finnish European, 0.43%; 19 homozygotes.

Submissions (2):

Labcorp Genetics (formerly Invitae), Labcorp
Classification: Benign. Last evaluated: 2018-01-31. Review status: criteria provided, single submitter. Criteria: Invitae Variant Classification Sherloc (09022015). Collection method: clinical testing. Allele origin: germline.

PreventionGenetics, part of Exact Sciences
Classification: Likely benign for CUL9-related condition. Last evaluated: 2019-03-27. Review status: no assertion criteria provided. Collection method: clinical testing. Allele origin: germline. Not counted in ClinVar's aggregate classification.
Comment: This variant is classified as likely benign based on ACMG/AMP sequence variant interpretation guidelines (Richards et al. 2015 PMID: 25741868, with internal and published modifications).